The following is an entry in ClinVar:

NM_145290.4(ADGRA3):c.2021T>C (p.Ile674Thr)

Gene: ADGRA3 (adhesion G protein-coupled receptor A3; minus strand). Cytogenetic location: 4p15.2.
Variant type: single nucleotide variant.
Coding change: c.2021T>C on transcript NM_145290.4 (MANE Select); coding-DNA position 2021, T replaced by C.
Protein change: p.Ile674Thr; replaces isoleucine 674 with threonine.
Molecular consequence: missense variant.
Genome position (GRCh38, 1-based): chr4:22,413,603, A>G on the plus strand (T>C on the coding strand, the complement: ADGRA3 is on the minus strand). VCF-style: chr4-22413603-A-G. GRCh37 (hg19) VCF-style: chr4-22415226-A-G.
Other names: short protein forms I674T.
Identifiers: ClinVar variation 1403398 (VCV001403398.7), dbSNP rs1715306367, ClinGen allele CA356479872.

ClinVar aggregate classification (germline): Uncertain significance (1 of 4 stars; one submission).

Allele frequency attached by ClinVar (database versions not stated): TOPMed below 0.00001.
gnomAD v4.1: 1 of 1,613,228 alleles (0.000062%); no homozygotes.

Submission:

Labcorp Genetics (formerly Invitae), Labcorp
Classification: Uncertain significance. Last evaluated: 2022-01-20. Review status: criteria provided, single submitter. Criteria: Invitae Variant Classification Sherloc (09022015). Collection method: clinical testing. Allele origin: germline.
Comment: In summary, the available evidence is currently insufficient to determine the role of this variant in disease. Therefore, it has been classified as a Variant of Uncertain Significance. Algorithms developed to predict the effect of missense changes on protein structure and function (SIFT, PolyPhen-2, Align-GVGD) all suggest that this variant is likely to be tolerated. This variant has not been reported in the literature in individuals affected with ADGRA3-related conditions. This variant is not present in population databases (gnomAD no frequency). This sequence change replaces isoleucine, which is neutral and non-polar, with threonine, which is neutral and polar, at codon 674 of the ADGRA3 protein (p.Ile674Thr).